The following is an entry in ClinVar:

ClinVar aggregate classification (germline): Uncertain significance. Review status: criteria provided, multiple submitters, no conflicts (2 of 4 stars). 2 submissions from 2 submitters: Uncertain significance (2). Last evaluated 2025-12-02.

Conditions:
Autosomal dominant Alport syndrome (ATS3A). Also called: Alport syndrome dominant type; Renal failure and sensorineural hearing loss; ALPORT SYNDROME 3A, AUTOSOMAL DOMINANT. Identifiers: Orphanet 63, Orphanet 88918, MedGen C5882663, MONDO:0007086, OMIM 104200.
Hematuria, benign familial, 2 (BFH2). Identifiers: MedGen C5830421, MONDO:0958186, OMIM 620320.
Alport syndrome 3b, autosomal recessive. Identifiers: MedGen C5882699, MONDO:0957811, OMIM 620536.

gnomAD v4.1: 7 of 1,607,950 alleles (0.00044%); highest among the groups gnomAD compares: Admixed American, 0.0033%; no homozygotes.

Submissions (2):

Labcorp Genetics (formerly Invitae), Labcorp
Classification: Uncertain significance. Last evaluated: 2025-12-02. Review status: criteria provided, single submitter. Criteria: Invitae Variant Classification Sherloc (09022015). Collection method: clinical testing. Allele origin: germline.
Comment: This sequence change falls in intron 6 of the COL4A3 gene. It does not directly change the encoded amino acid sequence of the COL4A3 protein. This variant is present in population databases (rs763908601, gnomAD 0.01%). This variant has not been reported in the literature in individuals affected with COL4A3-related conditions. ClinVar contains an entry for this variant (Variation ID: 3585976). Algorithms developed to predict the effect of sequence changes on RNA splicing suggest that this variant may disrupt the consensus splice site. In summary, the available evidence is currently insufficient to determine the role of this variant in disease. Therefore, it has been classified as a Variant of Uncertain Significance.

Fulgent Genetics
Classification: Uncertain significance for Autosomal dominant Alport syndrome; Hematuria, benign familial, 2; Alport syndrome 3b, autosomal recessive. Last evaluated: 2024-01-30. Review status: criteria provided, single submitter. Criteria: ACMG Guidelines, 2015. Collection method: clinical testing. Allele origin: germline.

NM_000091.5(COL4A3):c.388-10T>C

Genes: COL4A3 (collagen type IV alpha 3 chain; plus strand), MFF-DT (MFF divergent transcript; minus strand). Cytogenetic location: 2q36.3.
Variant type: single nucleotide variant.
Coding change: c.388-10T>C on transcript NM_000091.5 (MANE Select); 10 bases into the intron before coding-DNA position 388, T replaced by C.
Molecular consequence: intron variant.
Genome position (GRCh38, 1-based): chr2:227,246,675, T>C. VCF-style: chr2-227246675-T-C. GRCh37 (hg19) VCF-style: chr2-228111391-T-C.
Identifiers: ClinVar variation 3585976 (VCV003585976.2).